The following is an entry in ClinVar:

ClinVar aggregate classification (germline): Uncertain significance. Review status: criteria provided, multiple submitters, no conflicts (2 of 4 stars). 2 submissions from 2 submitters: Uncertain significance (2). Last evaluated 2025-11-11.

Conditions:
Hereditary cancer-predisposing syndrome. Also called: Neoplastic Syndromes, Hereditary; Hereditary neoplastic syndrome; Tumor predisposition; Hereditary Cancer Syndrome. Identifiers: Orphanet 140162, MedGen C0027672, MeSH D009386, MONDO:0015356.
Fanconi anemia (FA). Also called: Fanconi's anemia. Identifiers: Orphanet 84, MedGen C0015625, MeSH D005199, MONDO:0019391.

Submissions (2):

Ambry Genetics
Classification: Uncertain significance for Hereditary cancer-predisposing syndrome. Last evaluated: 2025-11-11. Review status: criteria provided, single submitter. Criteria: Ambry Variant Classification Scheme 2023. Collection method: clinical testing. Allele origin: germline.
Comment: The p.L183V variant (also known as c.547C>G), located in coding exon 6 of the FANCC gene, results from a C to G substitution at nucleotide position 547. The leucine at codon 183 is replaced by valine, an amino acid with highly similar properties. This amino acid position is conserved. In addition, this alteration is predicted to be tolerated by in silico analysis. Based on the available evidence, the clinical significance of this variant remains unclear.

Labcorp Genetics (formerly Invitae), Labcorp
Classification: Uncertain significance for Fanconi anemia. Last evaluated: 2022-11-07. Review status: criteria provided, single submitter. Criteria: Invitae Variant Classification Sherloc (09022015). Collection method: clinical testing. Allele origin: germline.
Comment: In summary, the available evidence is currently insufficient to determine the role of this variant in disease. Therefore, it has been classified as a Variant of Uncertain Significance. This sequence change replaces leucine, which is neutral and non-polar, with valine, which is neutral and non-polar, at codon 183 of the FANCC protein (p.Leu183Val). This variant is not present in population databases (gnomAD no frequency). This variant has not been reported in the literature in individuals affected with FANCC-related conditions. Advanced modeling of protein sequence and biophysical properties (such as structural, functional, and spatial information, amino acid conservation, physicochemical variation, residue mobility, and thermodynamic stability) performed at Invitae indicates that this missense variant is not expected to disrupt FANCC protein function.

NM_000136.3(FANCC):c.547C>G (p.Leu183Val)

Genes: AOPEP (aminopeptidase O (putative); plus strand), FANCC (FA complementation group C; minus strand). Cytogenetic location: 9q22.32.
Variant type: single nucleotide variant.
Coding change: c.547C>G on transcript NM_000136.3 (MANE Select); coding-DNA position 547, C replaced by G.
Protein change: p.Leu183Val; replaces leucine 183 with valine.
Molecular consequence: missense variant.
Genome position (GRCh38, 1-based): chr9:95,150,062, G>C on the plus strand (C>G on the coding strand, the complement: FANCC is on the minus strand). VCF-style: chr9-95150062-G-C. GRCh37 (hg19) VCF-style: chr9-97912344-G-C.
Other names: c.547C>G, p.Leu183Val (NM_001243743.2, NM_001243744.2); short protein forms L183V.
Identifiers: ClinVar variation 2893634 (VCV002893634.4), dbSNP rs1554838616, ClinGen allele CA374109828.